The following is an entry in ClinVar:

ClinVar aggregate classification (germline): Uncertain significance. Review status: criteria provided, single submitter (1 of 4 stars). 2 submissions from 2 submitters: Uncertain significance (1). 1 of the submissions does not count toward it. Last evaluated 2024-03-28.

Conditions:
Congenital afibrinogenemia. Identifiers: Orphanet 335, Orphanet 98880, MedGen C2584774, MONDO:0008737, OMIM 202400.
Familial visceral amyloidosis, Ostertag type (AMYLD2). Also called: AMYLOIDOSIS VIII; Familial visceral amyloidosis; Hereditary Renal Amyloidosis; AMYLOIDOSIS, HEREDITARY SYSTEMIC 2; Ostertag type amyloidosis; Amyloidosis, hepatic and systemic. Identifiers: Orphanet 85450, MedGen C0268389, MONDO:0007099, OMIM 105200.
Familial dysfibrinogenemia. Also called: Dysfibrinogenemia, congenital. Identifiers: Orphanet 335, Orphanet 98881, MedGen C0272350, MONDO:0014452, OMIM 616004.
FGA-related disorder. Also called: FGA-related condition; FGA-related disorders.

Submissions (2):

Fulgent Genetics
Classification: Uncertain significance for Familial visceral amyloidosis, Ostertag type; Congenital afibrinogenemia; Familial dysfibrinogenemia. Last evaluated: 2024-03-28. Review status: criteria provided, single submitter. Criteria: ACMG Guidelines, 2015. Collection method: clinical testing. Allele origin: germline.

PreventionGenetics, part of Exact Sciences
Classification: Uncertain significance for FGA-related condition. Last evaluated: 2024-07-14. Review status: no assertion criteria provided. Collection method: clinical testing. Allele origin: germline. Not counted in ClinVar's aggregate classification.
Comment: The FGA c.1529G>A variant is predicted to result in the amino acid substitution p.Arg510His. To our knowledge, this variant has not been reported in the literature. A variant impacting the same amino acid position (c.1528C>T; p.Arg510Cys) has been published in the homozygous state in a patient with dysfibrinogenemia (Ivaškevičius et al 2023. PubMed ID: 37442158). This variant is reported in 0.019% of alleles in individuals of European (Non-Finnish) descent in gnomAD. At this time, the clinical significance of this variant is uncertain due to the absence of conclusive functional and genetic evidence.

NM_021871.4(FGA):c.1529G>A (p.Arg510His)

Gene: FGA (fibrinogen alpha chain; minus strand). Cytogenetic location: 4q31.3.
Variant type: single nucleotide variant.
Coding change: c.1529G>A on transcript NM_021871.4 (MANE Select); coding-DNA position 1529, G replaced by A.
Protein change: p.Arg510His; replaces arginine 510 with histidine.
Molecular consequence: missense variant.
Genome position (GRCh38, 1-based): chr4:154,585,900, C>T on the plus strand (G>A on the coding strand, the complement: FGA is on the minus strand). VCF-style: chr4-154585900-C-T. GRCh37 (hg19) VCF-style: chr4-155507052-C-T.
Other names: c.1529G>A, p.Arg510His (NM_000508.5); short protein forms R510H.
Identifiers: ClinVar variation 3355964 (VCV003355964.2).